The following is an entry in ClinVar:

NM_030916.3(NECTIN4):c.598C>A (p.Arg200Ser)

Gene: NECTIN4 (nectin cell adhesion molecule 4; minus strand). Cytogenetic location: 1q23.3.
Variant type: single nucleotide variant.
Coding change: c.598C>A on transcript NM_030916.3 (MANE Select); coding-DNA position 598, C replaced by A.
Protein change: p.Arg200Ser; replaces arginine 200 with serine.
Molecular consequence: missense variant.
Genome position (GRCh38, 1-based): chr1:161,077,585, G>T on the plus strand (C>A on the coding strand, the complement: NECTIN4 is on the minus strand). VCF-style: chr1-161077585-G-T. GRCh37 (hg19) VCF-style: chr1-161047375-G-T.
Other names: short protein forms R200S.
Identifiers: ClinVar variation 2710702 (VCV002710702.3), dbSNP rs752505099, ClinGen allele CA343355202.

ClinVar aggregate classification (germline): Uncertain significance (1 of 4 stars; one submission).

Submission:

Labcorp Genetics (formerly Invitae), Labcorp
Classification: Uncertain significance. Last evaluated: 2024-01-22. Review status: criteria provided, single submitter. Criteria: Invitae Variant Classification Sherloc (09022015). Collection method: clinical testing. Allele origin: germline.
Comment: This sequence change replaces arginine, which is basic and polar, with serine, which is neutral and polar, at codon 200 of the NECTIN4 protein (p.Arg200Ser). This variant is not present in population databases (gnomAD no frequency). This variant has not been reported in the literature in individuals affected with NECTIN4-related conditions. Advanced modeling of protein sequence and biophysical properties (such as structural, functional, and spatial information, amino acid conservation, physicochemical variation, residue mobility, and thermodynamic stability) performed at Invitae indicates that this missense variant is not expected to disrupt NECTIN4 protein function with a negative predictive value of 80%. In summary, the available evidence is currently insufficient to determine the role of this variant in disease. Therefore, it has been classified as a Variant of Uncertain Significance.